The following is an entry in ClinVar:

NM_004525.3(LRP2):c.7747G>A (p.Val2583Met)

Gene: LRP2 (LDL receptor related protein 2; minus strand). Cytogenetic location: 2q31.1.
Variant type: single nucleotide variant.
Coding change: c.7747G>A on transcript NM_004525.3 (MANE Select); coding-DNA position 7747, G replaced by A.
Protein change: p.Val2583Met; replaces valine 2583 with methionine.
Molecular consequence: missense variant.
Genome position (GRCh38, 1-based): chr2:169,204,240, C>T on the plus strand (G>A on the coding strand, the complement: LRP2 is on the minus strand). VCF-style: chr2-169204240-C-T. GRCh37 (hg19) VCF-style: chr2-170060750-C-T.
Other names: p.Val2583Met; short protein forms V2583M.
Identifiers: ClinVar variation 332132 (VCV000332132.66), dbSNP rs145201961, ClinGen allele CA1954009.
Genomic context (GRCh38, chr2:169,204,240, plus strand): 5'-GGCCATAGAGAGTCAAGCCAAAAGCATGAACGGCTGCATTGACAATGACTTCACGATCCA[C>T]GCCCGTCAGAGTGCTGCGTTCAATCCTCTGCCTAAAATGAAGCAAAAAAAAATTTAGAAG-3'
Protein context (NP_004516.2, residues 2573-2593): QRIERSTLTG[Val2583Met]DREVIVNAAV

ClinVar aggregate classification (germline): Conflicting classifications of pathogenicity. Review status: criteria provided, conflicting classifications (1 of 4 stars). 9 submissions from 9 submitters: Uncertain significance (3); Likely benign (6). Last evaluated 2026-01-26.

Conditions:
LRP2-related disorder. Also called: LRP2-related condition.
Inborn genetic diseases. Identifiers: MedGen C0950123, MeSH D030342.
Donnai-Barrow syndrome. Also called: DBS/FOAR SYNDROME; FACIOOCULOACOUSTICORENAL SYNDROME. Identifiers: Orphanet 2143, MedGen C1857277, MONDO:0009104, OMIM 222448.

Allele frequency attached by ClinVar (database versions not stated): 1000 Genomes Project 0.00040; ExAC 0.00056; gnomAD 0.00061 and 0.00063; gnomAD exomes 0.00064 and 0.00076; TOPMed 0.00070; 1000 Genomes Project 30x 0.00078; ESP Exome Variant Server 0.00085.
gnomAD v4.1: 1,198 of 1,613,706 alleles (0.074%); highest among the groups gnomAD compares: Admixed American, 0.14%; 1 homozygote.

Submissions (9):

Labcorp Genetics (formerly Invitae), Labcorp
Classification: Likely benign. Last evaluated: 2026-01-26. Review status: criteria provided, single submitter. Criteria: Invitae Variant Classification Sherloc (09022015). Collection method: clinical testing. Allele origin: germline.

Mayo Clinic Laboratories, Mayo Clinic
Classification: Likely benign. Last evaluated: 2025-11-28. Review status: criteria provided, single submitter. Criteria: ACMG Guidelines, 2015. Collection method: clinical testing. Allele origin: germline. Observed: 3 variant alleles.
Comment: BS1, BP4_moderate

PreventionGenetics, part of Exact Sciences
Classification: Likely benign for LRP2-related condition. Last evaluated: 2025-11-14. Review status: criteria provided, single submitter. Criteria: ACMG Guidelines, 2015. Collection method: clinical testing. Allele origin: germline.
Comment: This variant is classified as likely benign based on ACMG/AMP sequence variant interpretation guidelines (Richards et al. 2015 PMID: 25741868, with internal and published modifications).

GeneDx
Classification: Uncertain significance. Last evaluated: 2025-02-19. Review status: criteria provided, single submitter. Criteria: GeneDx Variant Classification Process June 2021. Collection method: clinical testing. Allele origin: germline. Affected: yes.
Comment: Identified as a germline variant in patient with childhood cancers, although several other variants were also identified and proposed as candidates for the cancer predisposition in this individual (PMID: 35495172); of note, this patient also harbored the p.(F2286L) variant phase unknown; In silico analysis indicates that this missense variant does not alter protein structure/function; This variant is associated with the following publications: (PMID: 35495172)

Blueprint Genetics
Classification: Likely benign. Last evaluated: 2024-11-26. Review status: criteria provided, single submitter. Criteria: ACMG Guidelines, 2015. Collection method: clinical testing. Allele origin: germline.

CeGaT Center for Human Genetics Tuebingen
Classification: Likely benign. Last evaluated: 2023-12-01. Review status: criteria provided, single submitter. Criteria: CeGaT Center For Human Genetics Tuebingen Variant Classification Criteria Version 2. Collection method: clinical testing. Allele origin: germline. Affected: yes. Observed: 8 variant alleles.
Comment: LRP2: BP4

Ambry Genetics
Classification: Likely benign for Inborn genetic diseases. Last evaluated: 2021-10-09. Review status: criteria provided, single submitter. Criteria: Ambry Variant Classification Scheme 2023. Collection method: clinical testing. Allele origin: germline.

Genome-Nilou Lab
Classification: Uncertain significance for Donnai-Barrow syndrome. Last evaluated: 2021-07-15. Review status: criteria provided, single submitter. Criteria: ACMG Guidelines, 2015. Collection method: clinical testing. Allele origin: germline. Affected: no.

Illumina Laboratory Services, Illumina
Classification: Uncertain significance for Donnai-Barrow syndrome. Last evaluated: 2018-01-12. Review status: criteria provided, single submitter. Criteria: ICSL Variant Classification Criteria 13 December 2019. Collection method: clinical testing. Allele origin: germline.